The following is an entry in ClinVar:

NM_003119.4(SPG7):c.997C>T (p.Arg333Cys)

Gene: SPG7 (SPG7 matrix AAA peptidase subunit, paraplegin; plus strand). Cytogenetic location: 16q24.3.
Variant type: single nucleotide variant.
Coding change: c.997C>T on transcript NM_003119.4 (MANE Select); coding-DNA position 997, C replaced by T.
Protein change: p.Arg333Cys; replaces arginine 333 with cysteine.
Molecular consequence: missense variant.
Genome position (GRCh38, 1-based): chr16:89,531,913, C>T. VCF-style: chr16-89531913-C-T. GRCh37 (hg19) VCF-style: chr16-89598321-C-T.
Other names: c.997C>T, p.Arg333Cys (NM_001363850.1, NM_199367.3); short protein forms R333C.
Identifiers: ClinVar variation 2505275 (VCV002505275.1), dbSNP rs368366535, ClinGen allele CA8243901.
Genomic context (GRCh38, chr16:89,531,913, plus strand): 5'-AAAAAACGGAATCCCCAAGTAGTTAGTGTTGCATTGTCTGCTGCCGTCCAGAGCCCAGAA[C>T]GCTTCCTCCAGCTTGGCGCCAAGGTCCCAAAGGGCGCACTGCTGCTCGGCCCCCCCGGCT-3'
Protein context (NP_003110.1, residues 323-343): EFVDYLKSPE[Arg333Cys]FLQLGAKVPK

ClinVar aggregate classification (germline): Uncertain significance (1 of 4 stars; one submission).

Allele frequency attached by ClinVar (database versions not stated): TOPMed 0.00005; ESP Exome Variant Server 0.00008; ExAC 0.00001; gnomAD 0.00001.
gnomAD v4.1: 18 of 1,613,980 alleles (0.0011%); highest among the groups gnomAD compares: South Asian, 0.0033%; no homozygotes.

Submission:

Greenwood Genetic Center Diagnostic Laboratories, Greenwood Genetic Center
Classification: Uncertain significance. Last evaluated: 2023-01-09. Review status: criteria provided, single submitter. Criteria: ACMG Guidelines, 2015. Collection method: clinical testing. Allele origin: germline. Affected: yes.
Comment: PM2, PP3